The following is an entry in ClinVar:

ClinVar aggregate classification (germline): Uncertain significance (1 of 4 stars; one submission).

Conditions:
Jeune thoracic dystrophy. Also called: Jeune syndrome; Infantile thoracic dystrophy; Thoracic pelvic phalangeal dystrophy; Jeune's syndrome; Chondroectodermal dysplasia-like syndrome; Short-rib thoracic dysplasia. Identifiers: Orphanet 474, MedGen C0265275, MONDO:0018770.

Allele frequency attached by ClinVar (database versions not stated): gnomAD exomes below 0.00001; gnomAD 0.00001.

Submission:

Labcorp Genetics (formerly Invitae), Labcorp
Classification: Uncertain significance for Jeune thoracic dystrophy. Last evaluated: 2020-09-04. Review status: criteria provided, single submitter. Criteria: Invitae Variant Classification Sherloc (09022015). Collection method: clinical testing. Allele origin: germline.
Comment: This sequence change replaces glutamic acid with lysine at codon 229 of the IFT80 protein (p.Glu229Lys). The glutamic acid residue is moderately conserved and there is a small physicochemical difference between glutamic acid and lysine. This variant is not present in population databases (ExAC no frequency). This variant has not been reported in the literature in individuals with IFT80-related conditions. Algorithms developed to predict the effect of missense changes on protein structure and function are either unavailable or do not agree on the potential impact of this missense change (SIFT: "Deleterious"; PolyPhen-2: "Benign"; Align-GVGD: "Class C15"). In summary, the available evidence is currently insufficient to determine the role of this variant in disease. Therefore, it has been classified as a Variant of Uncertain Significance.

NM_020800.3(IFT80):c.685G>A (p.Glu229Lys)

Genes: TRIM59-IFT80 (TRIM59-IFT80 readthrough (NMD candidate); minus strand), IFT80 (intraflagellar transport 80; minus strand). Cytogenetic location: 3q25.33.
Variant type: single nucleotide variant.
Coding change: c.685G>A on transcript NM_020800.3 (MANE Select); coding-DNA position 685, G replaced by A.
Protein change: p.Glu229Lys; replaces glutamic acid 229 with lysine.
Molecular consequence: missense variant. On other transcripts: non-coding transcript variant (3).
Genome position (GRCh38, 1-based): chr3:160,356,105, C>T on the plus strand (G>A on the coding strand, the complement: IFT80 is on the minus strand). VCF-style: chr3-160356105-C-T. GRCh37 (hg19) VCF-style: chr3-160073893-C-T.
Other names: c.274G>A, p.Glu92Lys (NM_001190241.2, NM_001190242.2); short protein forms E229K, E92K.
Identifiers: ClinVar variation 1025095 (VCV001025095.9), dbSNP rs1721069446, ClinGen allele CA355192860.